The following is an entry in ClinVar:

ClinVar aggregate classification (germline): Conflicting classifications of pathogenicity. Review status: criteria provided, conflicting classifications (1 of 4 stars). 7 submissions from 7 submitters: Uncertain significance (4); Likely benign (2). 1 of the submissions does not count toward it. Last evaluated 2025-08-27.

Conditions:
Breast-ovarian cancer, familial, susceptibility to, 1 (BROVCA1). Also called: BRCA1 Hereditary Breast and Ovarian Cancer; OVARIAN CANCER, SUSCEPTIBILITY TO. Identifiers: Orphanet 145, MedGen C2676676, MONDO:0011450, OMIM 604370. Disease mechanism: loss of function.
Hereditary cancer-predisposing syndrome. Also called: Hereditary Cancer Syndrome; Hereditary neoplastic syndrome; Neoplastic Syndromes, Hereditary; Tumor predisposition. Identifiers: Orphanet 140162, MedGen C0027672, MeSH D009386, MONDO:0015356.
Hereditary breast ovarian cancer syndrome. Also called: BRCA1- and BRCA2-Associated Hereditary Breast and Ovarian Cancer; Hereditary breast and ovarian cancer syndrome; Hereditary breast and ovarian cancer syndrome (HBOC); Breast and ovarian cancer; Hereditary breast and/or ovarian cancer syndrome; Hereditary breast and ovarian cancer. Identifiers: Orphanet 145, MedGen C0677776, MeSH D061325, MONDO:0003582. Disease mechanism: loss of function.

Allele frequency attached by ClinVar (database versions not stated): ExAC 0.00001; TOPMed 0.00002; gnomAD 0.00001; ESP Exome Variant Server 0.00008; gnomAD exomes below 0.00001.
gnomAD v4.1: 6 of 1,613,496 alleles (0.00037%); highest among the groups gnomAD compares: African/African-American, 0.0067%; no homozygotes.

Submissions (7):

Color Diagnostics, LLC DBA Color Health
Classification: Likely benign for Hereditary cancer-predisposing syndrome. Last evaluated: 2025-08-27. Review status: criteria provided, single submitter. Criteria: ACMG Guidelines, 2015. Collection method: clinical testing. Allele origin: germline.

GeneDx
Classification: Uncertain significance. Last evaluated: 2025-07-14. Review status: criteria provided, single submitter. Criteria: GeneDx Variant Classification Process June 2021. Collection method: clinical testing. Allele origin: germline. Affected: yes.
Comment: In silico analysis suggests that this missense variant does not alter protein structure/function; Not observed at significant frequency in large population cohorts (gnomAD); Also known as 4599G>A; This variant is associated with the following publications: (PMID: 21520333, 10923033, 29884841, 32377563, 35665744, 28781887, 15343273, 22737296, 16267036)

Labcorp Genetics (formerly Invitae), Labcorp
Classification: Likely benign for Hereditary breast ovarian cancer syndrome. Last evaluated: 2025-04-29. Review status: criteria provided, single submitter. Criteria: Invitae Variant Classification Sherloc (09022015). Collection method: clinical testing. Allele origin: germline.

Ambry Genetics
Classification: Uncertain significance for Hereditary cancer-predisposing syndrome. Last evaluated: 2024-04-24. Review status: criteria provided, single submitter. Criteria: Ambry Variant Classification Scheme 2023. Collection method: clinical testing. Allele origin: germline.
Comment: The p.E1494K variant (also known as c.4480G>A), located in coding exon 12 of the BRCA1 gene, results from a G to A substitution at nucleotide position 4480. The glutamic acid at codon 1494 is replaced by lysine, an amino acid with similar properties. This alteration had near wildtype transcription activation activity, however, this alteration does not lie in the BRCA1 transactivation or coiled-coil domains which casts doubt on the clinical interpretation of these data (Woods NT et al. NPJ Genom Med, 2016 Mar;1:). This amino acid position is poorly conserved in available vertebrate species. In addition, the in silico prediction for this alteration is inconclusive. Since supporting evidence is limited at this time, the clinical significance of this alteration remains unclear.

Quest Diagnostics Nichols Institute San Juan Capistrano
Classification: Uncertain significance. Last evaluated: 2018-06-08. Review status: criteria provided, single submitter. Criteria: Quest Diagnostics criteria. Collection method: clinical testing. Allele origin: germline.

Women's Health and Genetics/Laboratory Corporation of America, LabCorp
Classification: Uncertain significance. Last evaluated: 2017-01-06. Review status: criteria provided, single submitter. Criteria: LabCorp Variant Classification Summary - May 2015. Collection method: clinical testing. Allele origin: germline.
Comment: Variant summary: The BRCA1 c.4480G>A (p.Glu1494Lys) variant involves the alteration of a non-conserved nucleotide and is outside of some commonly known BRCA1 domains (RING, S-R and BRCT) (InterPro). 4/4 in silico tools predict a benign outcome for this variant. This variant was found in 1/121368 control chromosomes at a frequency of 0.0000082, which does not exceed the estimated maximal expected allele frequency of a pathogenic BRCA1 variant (0.0010005). In literature, this variant has been reported in one HBOC patient without strong evidence for pathogenicity (Judkins _2005/BIC). One clinical diagnostic laboratory and a reputable database have classified this variant as uncertain significance. Taken together, this variant is classified as Variant of Uncertain Significance.

Breast Cancer Information Core (BIC) (BRCA1)
Classification: Uncertain significance for Breast-ovarian cancer, familial 1. Last evaluated: 2004-11-25. Review status: no assertion criteria provided. Collection method: clinical testing. Allele origin: germline. Affected: yes. Observed: 1 variant allele. Not counted in ClinVar's aggregate classification.

Literature cited by the submitters: PubMed 28781887 (cited by Ambry Genetics); PubMed 29884841 (cited by Ambry Genetics); PubMed 16267036 (cited by Women's Health and Genetics/Laboratory Corporation of America, LabCorp).

NM_007294.4(BRCA1):c.4480G>A (p.Glu1494Lys)

Gene: BRCA1 (BRCA1 DNA repair associated; minus strand). Cytogenetic location: 17q21.31.
Variant type: single nucleotide variant.
Coding change: c.4480G>A on transcript NM_007294.4 (MANE Select); coding-DNA position 4480, G replaced by A.
Protein change: p.Glu1494Lys; replaces glutamic acid 1494 with lysine.
Molecular consequence: missense variant. On other transcripts: non-coding transcript variant (1).
Genome position (GRCh38, 1-based): chr17:43,076,492, C>T on the plus strand (G>A on the coding strand, the complement: BRCA1 is on the minus strand). VCF-style: chr17-43076492-C-T. GRCh37 (hg19) VCF-style: chr17-41228509-C-T.
Other names: c.4336G>A, p.Glu1446Lys (NM_001407733.1, NM_001407734.1, NM_001407735.1 and 21 more transcripts); c.4333G>A, p.Glu1445Lys (NM_001407838.1, NM_001407839.1, NM_001407841.1 and 12 more transcripts); c.4477G>A, p.Glu1493Lys (NM_001407860.1, NM_001407610.1, NM_001407611.1 and 17 more transcripts); c.4474G>A, p.Glu1492Lys (NM_001407861.1, NM_001407628.1, NM_001407629.1 and 14 more transcripts); c.4279G>A, p.Glu1427Lys (NM_001407862.1); c.4354G>A, p.Glu1452Lys (NM_001407863.1, NM_001407670.1, NM_001407671.1 and 11 more transcripts); c.4273G>A, p.Glu1425Lys (NM_001407874.1, NM_001407875.1); c.4270G>A, p.Glu1424Lys (NM_001407879.1, NM_001407881.1, NM_001407882.1 and 5 more transcripts); and 68 more; short protein forms E1494K, E1447K, E1515K, E390K, E1197K, E1198K, E1383K, E1405K.
Identifiers: ClinVar variation 55208 (VCV000055208.24), dbSNP rs80357148, ClinGen allele CA002867.